The following is an entry in ClinVar:

NM_018263.6(ASXL2):c.3386C>G (p.Ser1129Cys)

Gene: ASXL2 (ASXL transcriptional regulator 2; minus strand). Cytogenetic location: 2p23.3.
Variant type: single nucleotide variant.
Coding change: c.3386C>G on transcript NM_018263.6 (MANE Select); coding-DNA position 3386, C replaced by G.
Protein change: p.Ser1129Cys; replaces serine 1129 with cysteine.
Molecular consequence: missense variant.
Genome position (GRCh38, 1-based): chr2:25,742,951, G>C on the plus strand (C>G on the coding strand, the complement: ASXL2 is on the minus strand). VCF-style: chr2-25742951-G-C. GRCh37 (hg19) VCF-style: chr2-25965820-G-C.
Other names: c.3212C>G, p.Ser1071Cys (NM_001369346.1); c.2606C>G, p.Ser869Cys (NM_001369347.1); short protein forms S1071C, S1129C, S869C.
Identifiers: ClinVar variation 3360682 (VCV003360682.2).
Genomic context (GRCh38, chr2:25,742,951, plus strand): 5'-CGATCTTCAGGGTTTACAGAATGGGTCCTCCTAAAGCTCTCTGAGCCCCGGCCGTAGGTA[G>C]AAATATTCAGTAAGTAGTGCCCTGCCATTGCAGGTTTGGATGTCCTTCTGCCAGCAAAAC-3'
Protein context (NP_060733.4, residues 1119-1139): AMAGHYLLNI[Ser1129Cys]TYGRGSESFR

ClinVar aggregate classification (germline): Uncertain significance (1 of 4 stars; one submission).

Submission:

GeneDx
Classification: Uncertain significance. Last evaluated: 2025-12-22. Review status: criteria provided, single submitter. Criteria: GeneDx Variant Classification Process June 2021. Collection method: clinical testing. Allele origin: germline.
Comment: Not observed at significant frequency in large population cohorts (gnomAD); In silico analysis supports that this missense variant has a deleterious effect on protein structure/function; Has not been previously published as pathogenic or benign to our knowledge